The following is an entry in ClinVar:

ClinVar aggregate classification (germline): Likely pathogenic (1 of 4 stars; one submission).

Conditions:
Autosomal recessive Alport syndrome (ATS2). Also called: COL4A3-Related Nephropathy; COL4A4 Alport Syndrome and Thin Basement Membrane Nephropathy; ALPORT SYNDROME 2, AUTOSOMAL RECESSIVE; Alport syndrome type 2. Identifiers: Orphanet 63, Orphanet 88919, MedGen C4746745, MONDO:0008762, OMIM 203780.

Submission:

Myriad Genetics, Inc.
Classification: Likely pathogenic for Autosomal recessive Alport syndrome. Last evaluated: 2022-02-04. Review status: criteria provided, single submitter. Criteria: Myriad Women's Health Autosomal Recessive and X-Linked Classification Criteria (2021). Collection method: clinical testing. Allele origin: unknown.
Comment: NM_000092.4(COL4A4):c.2894dupT(M965Ifs*19) is expected to be pathogenic in the context of COL4A4-related Alport syndrome. This variant is predicted to lead to an abnormal or absent protein product due to the creation of a premature termination codon in COL4A4, a gene where loss-of-function variants are known to be pathogenic. Please note: this variant was assessed in the context of healthy population screening.

NM_000092.5(COL4A4):c.2894dup (p.Met965fs)

Gene: COL4A4 (collagen type IV alpha 4 chain; minus strand). Cytogenetic location: 2q36.3.
Variant type: Duplication.
Coding change: c.2894dup on transcript NM_000092.5 (MANE Select); coding-DNA position 2894, one base duplicated (T; older notation c.2894dupT).
Protein change: p.Met965fs; shifts the reading frame from methionine 965.
Molecular consequence: frameshift variant.
Genome position (GRCh38, 1-based): chr2:227,052,379, A duplicated on the plus strand (T on the coding strand, the reverse complement: COL4A4 is on the minus strand). VCF-style (leftmost placement, unchanged base first): chr2-227052378-C-CA. GRCh37 (hg19) VCF-style: chr2-227917094-C-CA.
Other names: short protein forms M965fs.
Identifiers: ClinVar variation 1724281 (VCV001724281.2), dbSNP rs2474010076, ClinGen allele CA2580065854.